The following is an entry in ClinVar:

NM_025132.4(WDR19):c.2189C>T (p.Thr730Ile)

Gene: WDR19 (WD repeat domain 19; plus strand). Cytogenetic location: 4p14.
Variant type: single nucleotide variant.
Coding change: c.2189C>T on transcript NM_025132.4 (MANE Select); coding-DNA position 2189, C replaced by T.
Protein change: p.Thr730Ile; replaces threonine 730 with isoleucine.
Molecular consequence: missense variant.
Genome position (GRCh38, 1-based): chr4:39,232,208, C>T. VCF-style: chr4-39232208-C-T. GRCh37 (hg19) VCF-style: chr4-39233828-C-T.
Other names: c.1709C>T, p.Thr570Ile (NM_001317924.2); short protein forms T570I, T730I.
Identifiers: ClinVar variation 1403988 (VCV001403988.5), dbSNP rs1157984983, ClinGen allele CA356634917.

ClinVar aggregate classification (germline): Uncertain significance. Review status: criteria provided, multiple submitters, no conflicts (2 of 4 stars). 2 submissions from 2 submitters: Uncertain significance (2). Last evaluated 2024-04-24.

Conditions:
Senior-Loken syndrome 8 (SLSN8). Identifiers: Orphanet 3156, MedGen C4225376, MONDO:0014579, OMIM 616307.
Spermatogenic failure 72 (SPGF72). Identifiers: MedGen C5676980, MONDO:0030809, OMIM 619867.
Asphyxiating thoracic dystrophy 5 (SRTD5). Also called: SHORT-RIB THORACIC DYSPLASIA 5 WITH OR WITHOUT POLYDACTYLY; SHORT-RIB THORACIC DYSPLASIA 5 WITHOUT POLYDACTYLY. Identifiers: Orphanet 474, MedGen C3280598, MONDO:0013717, OMIM 614376.
Nephronophthisis 13 (NPHP13). Identifiers: Orphanet 655, MedGen C3280612, MONDO:0013718, OMIM 614377.
Cranioectodermal dysplasia 4 (CED4). Identifiers: Orphanet 1515, MedGen C3280616, MONDO:0013719, OMIM 614378.

Allele frequency attached by ClinVar (database versions not stated): gnomAD exomes below 0.00001; gnomAD 0.00001.
gnomAD v4.1: 6 of 1,613,516 alleles (0.00037%); highest among the groups gnomAD compares: Admixed American, 0.0017%; no homozygotes.

Submissions (2):

Fulgent Genetics
Classification: Uncertain significance for Asphyxiating thoracic dystrophy 5; Nephronophthisis 13; Cranioectodermal dysplasia 4; Senior-Loken syndrome 8; Spermatogenic failure 72. Last evaluated: 2024-04-24. Review status: criteria provided, single submitter. Criteria: ACMG Guidelines, 2015. Collection method: clinical testing. Allele origin: germline.

Labcorp Genetics (formerly Invitae), Labcorp
Classification: Uncertain significance for Senior-Loken syndrome 8; Asphyxiating thoracic dystrophy 5. Last evaluated: 2021-09-02. Review status: criteria provided, single submitter. Criteria: Invitae Variant Classification Sherloc (09022015). Collection method: clinical testing. Allele origin: germline.
Comment: This sequence change replaces threonine with isoleucine at codon 730 of the WDR19 protein (p.Thr730Ile). The threonine residue is moderately conserved and there is a moderate physicochemical difference between threonine and isoleucine. This variant is not present in population databases (ExAC no frequency). This variant has not been reported in the literature in individuals affected with WDR19-related conditions. Algorithms developed to predict the effect of missense changes on protein structure and function (SIFT, PolyPhen-2, Align-GVGD) all suggest that this variant is likely to be tolerated. In summary, the available evidence is currently insufficient to determine the role of this variant in disease. Therefore, it has been classified as a Variant of Uncertain Significance.